The following is an entry in ClinVar:

ClinVar aggregate classification (germline): Uncertain significance. Review status: criteria provided, multiple submitters, no conflicts (2 of 4 stars). 2 submissions from 2 submitters: Uncertain significance (2). Last evaluated 2024-05-15.

gnomAD v4.1: 21 of 1,614,142 alleles (0.0013%); highest among the groups gnomAD compares: Non-Finnish European, 0.0017%; no homozygotes.

Submissions (2):

Athena Diagnostics
Classification: Uncertain significance. Last evaluated: 2024-05-15. Review status: criteria provided, single submitter. Criteria: Athena Diagnostics Criteria. Collection method: clinical testing. Allele origin: unknown.
Comment: Available data are insufficient to determine the clinical significance of the variant at this time. This variant has not been reported in large, multi-ethnic general populations. Polyphen and MutationTaster yielded discordant predictions regarding whether this amino acid change is damaging to the protein.

Blueprint Genetics
Classification: Uncertain significance. Last evaluated: 2022-05-04. Review status: criteria provided, single submitter. Criteria: ACMG Guidelines, 2015. Collection method: clinical testing. Allele origin: germline.

NM_182961.4(SYNE1):c.20973T>G (p.Asp6991Glu)

Gene: SYNE1 (spectrin repeat containing nuclear envelope protein 1; minus strand). Cytogenetic location: 6q25.2.
Variant type: single nucleotide variant.
Coding change: c.20973T>G on transcript NM_182961.4 (MANE Select); coding-DNA position 20973, T replaced by G.
Protein change: p.Asp6991Glu; replaces aspartic acid 6991 with glutamic acid.
Molecular consequence: missense variant.
Genome position (GRCh38, 1-based): chr6:152,231,457, A>C on the plus strand (T>G on the coding strand, the complement: SYNE1 is on the minus strand). VCF-style: chr6-152231457-A-C. GRCh37 (hg19) VCF-style: chr6-152552592-A-C.
Other names: c.20760T>G, p.Asp6920Glu (NM_033071.5); short protein forms D6991E, D6920E.
Identifiers: ClinVar variation 3571674 (VCV003571674.2).